The following is an entry in ClinVar:

ClinVar aggregate classification (germline): Likely pathogenic (1 of 4 stars; one submission).

Conditions:
PKD1L1-related disorder. Also called: PKD1L1-related condition.

Submission:

PreventionGenetics, part of Exact Sciences
Classification: Likely pathogenic for PKD1L1-related condition. Last evaluated: 2022-08-30. Review status: criteria provided, single submitter. Criteria: ACMG Guidelines, 2015. Collection method: clinical testing. Allele origin: germline.
Comment: The PKD1L1 c.6623_6626delCTTT variant is predicted to result in a frameshift and premature protein termination (p.Ser2208Tyrfs*59). To our knowledge, this variant has not been reported in the literature or in a large population database, indicating this variant is rare. Frameshift variants in PKD1L1 are expected to be pathogenic. This variant is interpreted as likely pathogenic.

NM_138295.5(PKD1L1):c.6623_6626del (p.Ser2208fs)

Gene: PKD1L1 (polycystin 1 like 1, transient receptor potential channel interacting; minus strand). Cytogenetic location: 7p12.3.
Variant type: Deletion.
Coding change: c.6623_6626del on transcript NM_138295.5 (MANE Select); coding-DNA positions 6623 to 6626, 4 bases deleted (CTTT; older notation c.6623_6626delCTTT).
Protein change: p.Ser2208fs; shifts the reading frame from serine 2208.
Molecular consequence: frameshift variant.
Genome position (GRCh38, 1-based): chr7:47,829,534-47,829,537, AAAG deleted on the plus strand (CTTT on the coding strand, the reverse complement: PKD1L1 is on the minus strand); deleting any 4 consecutive bases within chr7:47,829,534-47,829,538 gives the same sequence; the c. name uses the placement nearest the transcript's 3' end. VCF-style (leftmost placement, unchanged base first): chr7-47829533-TAAAG-T. GRCh37 (hg19) VCF-style: chr7-47869131-TAAAG-T.
Other names: short protein forms S2208fs.
Identifiers: ClinVar variation 2629569 (VCV002629569.1), dbSNP rs1463074700, ClinGen allele CA839129468.